The following is an entry in ClinVar:

NM_032436.4(CHAMP1):c.1420G>T (p.Gly474Cys)

Gene: CHAMP1 (chromosome alignment maintaining phosphoprotein 1; plus strand). Cytogenetic location: 13q34.
Variant type: single nucleotide variant.
Coding change: c.1420G>T on transcript NM_032436.4 (MANE Select); coding-DNA position 1420, G replaced by T.
Protein change: p.Gly474Cys; replaces glycine 474 with cysteine.
Molecular consequence: missense variant.
Genome position (GRCh38, 1-based): chr13:114,325,262, G>T. VCF-style: chr13-114325262-G-T. GRCh37 (hg19) VCF-style: chr13-115090737-G-T.
Other names: c.1420G>T, p.Gly474Cys (NM_001164144.3, NM_001164145.3); short protein forms G474C.
Identifiers: ClinVar variation 2363016 (VCV002363016.3), dbSNP rs782052857, ClinGen allele CA7070810.

ClinVar aggregate classification (germline): Conflicting classifications of pathogenicity. Review status: criteria provided, conflicting classifications (1 of 4 stars). 2 submissions from 2 submitters: Uncertain significance (1); Likely benign (1). Last evaluated 2025-07-09.

Conditions:
Inborn genetic diseases. Identifiers: MedGen C0950123, MeSH D030342.

Allele frequency attached by ClinVar (database versions not stated): gnomAD exomes 0.00001; ExAC 0.00002; gnomAD 0.00008; TOPMed 0.00008.

Submissions (2):

Women's Health and Genetics/Laboratory Corporation of America, LabCorp
Classification: Uncertain significance. Last evaluated: 2025-07-09. Review status: criteria provided, single submitter. Criteria: LabCorp Variant Classification Summary - May 2015. Collection method: clinical testing. Allele origin: germline.
Comment: Variant summary: CHAMP1 c.1420G>T (p.Gly474Cys) results in a non-conservative amino acid change in the encoded protein sequence. Algorithms developed to predict the effect of missense changes on protein structure and function are either unavailable or do not agree on the potential impact of this missense change. The variant allele was found at a frequency of 1.6e-05 in 251442 control chromosomes. The available data on variant occurrences in the general population are insufficient to allow any conclusion about variant significance. To our knowledge, no occurrence of c.1420G>T in individuals affected with Intellectual Disability, Autosomal Dominant 40 and no experimental evidence demonstrating its impact on protein function have been reported. ClinVar contains an entry for this variant (Variation ID: 2363016). Based on the evidence outlined above, the variant was classified as uncertain significance.

Ambry Genetics
Classification: Likely benign for Inborn genetic diseases. Last evaluated: 2021-07-15. Review status: criteria provided, single submitter. Criteria: Ambry Variant Classification Scheme 2023. Collection method: clinical testing. Allele origin: germline.